The following is an entry in ClinVar:

ClinVar aggregate classification (germline): Pathogenic/Likely pathogenic. Review status: criteria provided, multiple submitters, no conflicts (2 of 4 stars). 2 submissions from 2 submitters: Pathogenic (1); Likely pathogenic (1). Last evaluated 2023-11-30.

Conditions:
TRMU-related disorder. Also called: TRMU-related condition.

Submissions (2):

Labcorp Genetics (formerly Invitae), Labcorp
Classification: Pathogenic. Last evaluated: 2023-11-30. Review status: criteria provided, single submitter. Criteria: Invitae Variant Classification Sherloc (09022015). Collection method: clinical testing. Allele origin: germline.
Comment: This sequence change affects a donor splice site in intron 2 of the TRMU gene. It is expected to disrupt RNA splicing. Variants that disrupt the donor or acceptor splice site typically lead to a loss of protein function (PMID: 16199547), and loss-of-function variants in TRMU are known to be pathogenic (PMID: 19732863, 23625533). This variant is not present in population databases (gnomAD no frequency). Disruption of this splice site has been observed in individual(s) with acute infantile liver failure (PMID: 23625533). In at least one individual the data is consistent with being in trans (on the opposite chromosome) from a pathogenic variant. Algorithms developed to predict the effect of sequence changes on RNA splicing suggest that this variant may disrupt the consensus splice site. For these reasons, this variant has been classified as Pathogenic.

PreventionGenetics, part of Exact Sciences
Classification: Likely pathogenic for TRMU-related condition. Last evaluated: 2023-05-02. Review status: criteria provided, single submitter. Criteria: ACMG Guidelines, 2015. Collection method: clinical testing. Allele origin: germline.
Comment: The TRMU c.248+1G>A variant is predicted to disrupt the GT donor site and interfere with normal splicing. This variant has been reported, along with another variant in TRMU, in an individual with combined hepatic mitochondrial respiratory chain (RC) defect (Patient 1 ,Gaignard et al. 2013. PubMed ID: 23625533). This variant is predicted to alter splicing based on available splicing prediction programs (Alamut Visual Plus v1.6.1) and cDNA analysis on cultured fibroblasts from the patient reported in Gaignard et al. showed that this variant lead to skipping of exon 3 (Gaignard et al. 2013. PubMed ID: 23625533). This variant has not been reported in a large population database, indicating this variant is rare. Variants that disrupt the consensus splice donor site in TRMU are expected to be pathogenic. This variant is interpreted as likely pathogenic.

Literature cited by the submitters: PubMed 16199547 (cited by Labcorp Genetics (formerly Invitae), Labcorp); PubMed 19732863 (cited by Labcorp Genetics (formerly Invitae), Labcorp); PubMed 23625533 (cited by Labcorp Genetics (formerly Invitae), Labcorp).

NM_018006.5(TRMU):c.248+1G>A

Gene: TRMU (tRNA mitochondrial 2-thiouridylase; plus strand). Cytogenetic location: 22q13.31.
Variant type: single nucleotide variant.
Coding change: c.248+1G>A on transcript NM_018006.5 (MANE Select); the canonical splice donor site of the intron after coding-DNA position 248, G replaced by A.
Molecular consequence: splice donor variant.
Genome position (GRCh38, 1-based): chr22:46,337,945, G>A. VCF-style: chr22-46337945-G-A. GRCh37 (hg19) VCF-style: chr22-46733842-G-A.
Other names: c.248+1G>A (NM_001282785.2); c.13+1G>A (NM_001282782.2); c.-7+1G>A (NM_001282783.2, NM_001282784.2).
Identifiers: ClinVar variation 2633214 (VCV002633214.4), dbSNP rs2518132615, ClinGen allele CA411940518.
Genomic context (GRCh38, chr22:46,337,945, plus strand): 5'-CTTAGACATCCCTTTCCATCAAGTGTCCTACGTAAAGGAGTATTGGAATGATGTGTTCAG[G>A]TGAGTGCGGGTCACAGCACAAAGGAAGCTTCCTCACACTGTGGATCCTTGCAGTGGAAGG-3'